The following is an entry in ClinVar:

ClinVar aggregate classification (germline): Uncertain significance (1 of 4 stars; one submission).

gnomAD v4.1: 1 of 1,613,294 alleles (0.000062%); highest among the groups gnomAD compares: Non-Finnish European, 0.000085%; no homozygotes.

Submission:

Labcorp Genetics (formerly Invitae), Labcorp
Classification: Uncertain significance. Last evaluated: 2023-08-20. Review status: criteria provided, single submitter. Criteria: Invitae Variant Classification Sherloc (09022015). Collection method: clinical testing. Allele origin: germline.
Comment: This sequence change replaces arginine, which is basic and polar, with glycine, which is neutral and non-polar, at codon 115 of the RHOBTB2 protein (p.Arg115Gly). This variant is not present in population databases (gnomAD no frequency). In summary, the available evidence is currently insufficient to determine the role of this variant in disease. Therefore, it has been classified as a Variant of Uncertain Significance. Advanced modeling of protein sequence and biophysical properties (such as structural, functional, and spatial information, amino acid conservation, physicochemical variation, residue mobility, and thermodynamic stability) has been performed at Invitae for this missense variant, however the output from this modeling did not meet the statistical confidence thresholds required to predict the impact of this variant on RHOBTB2 protein function. This variant has not been reported in the literature in individuals affected with RHOBTB2-related conditions.

NM_015178.3(RHOBTB2):c.277C>G (p.Arg93Gly)

Gene: RHOBTB2 (Rho related BTB domain containing 2; plus strand). Cytogenetic location: 8p21.3.
Variant type: single nucleotide variant.
Coding change: c.277C>G on transcript NM_015178.3 (MANE Select); coding-DNA position 277, C replaced by G.
Protein change: p.Arg93Gly; replaces arginine 93 with glycine.
Molecular consequence: missense variant.
Genome position (GRCh38, 1-based): chr8:23,005,456, C>G. VCF-style: chr8-23005456-C-G. GRCh37 (hg19) VCF-style: chr8-22862969-C-G.
Other names: c.343C>G, p.Arg115Gly (NM_001160036.2); c.298C>G, p.Arg100Gly (NM_001160037.2); c.277C>G, p.Arg93Gly (NM_001374791.1); short protein forms R93G, R115G, R100G.
Identifiers: ClinVar variation 2754192 (VCV002754192.3), dbSNP rs763348121, ClinGen allele CA370560600.
Genomic context (GRCh38, chr8:23,005,456, plus strand): 5'-GTAGATGATGTCAGCGTCTCTCTGCGCCTCTGGGACACCTTTGGAGACCACCACAAAGAC[C>G]GTCGCTTTGCTTATGGGAGGTAGGGAAGGCCTCTAGCCGCCTGCAGAGAACCAACAGGGT-3'
Protein context (NP_055993.2, residues 83-103): WDTFGDHHKD[Arg93Gly]RFAYGRSDVV